The following is an entry in ClinVar:

NM_000540.3(RYR1):c.6487C>T (p.Arg2163Cys)

Gene: RYR1 (ryanodine receptor 1; plus strand). Cytogenetic location: 19q13.2.
Variant type: single nucleotide variant.
Coding change: c.6487C>T on transcript NM_000540.3 (MANE Select); coding-DNA position 6487, C replaced by T.
Protein change: p.Arg2163Cys; replaces arginine 2163 with cysteine.
Molecular consequence: missense variant.
Genome position (GRCh38, 1-based): chr19:38,494,564, C>T. VCF-style: chr19-38494564-C-T. GRCh37 (hg19) VCF-style: chr19-38985204-C-T.
Other names: NM_000540.3(RYR1):c.6487C>T; c.6487C>T, p.Arg2163Cys (NM_001042723.2); short protein forms R2163C.
Identifiers: ClinVar variation 12973 (VCV000012973.64), dbSNP rs118192175, ClinGen allele CA024590.

ClinVar aggregate classification (germline): Pathogenic; drug response. Review status: reviewed by expert panel (3 of 4 stars). 19 submissions from 13 submitters: Pathogenic (1). 11 of the submissions do not count toward it. Last evaluated 2022-03-14.

Conditions:
RYR1-related disorder. Also called: RYR1-related disorders; RYR1-related condition. Identifiers: MedGen CN239331.
Inborn genetic diseases. Identifiers: MedGen C0950123, MeSH D030342.
Central core myopathy (CMYO1A). Also called: CONGENITAL MYOPATHY 1A, AUTOSOMAL DOMINANT, WITH SUSCEPTIBILITY TO MALIGNANT HYPERTHERMIA; Central core disease; Myopathy, central fibrillar. Identifiers: Orphanet 597, MedGen C5830701, MONDO:0007294, OMIM 117000.
Malignant hyperthermia, susceptibility to, 1 (MHS1). Also called: Malignant hyperthermia suceptibility 1; RYR1-Related Malignant Hyperthermia Susceptibility; Anesthesia related hyperthermia; Malignant hyperpyrexia; Fulminating hyperpyrexia; Pharmacogenic myopathy. Identifiers: Orphanet 423, MedGen C2930980, MONDO:0007783, OMIM 145600.
desflurane response - Toxicity.
succinylcholine response - Toxicity.
sevoflurane response - Toxicity.
methoxyflurane response - Toxicity.
isoflurane response - Toxicity.
enflurane response - Toxicity.
halothane response - Toxicity.

Allele frequency attached by ClinVar (database versions not stated): gnomAD exomes 0.00001.
gnomAD v4.1: 6 of 1,614,166 alleles (0.00037%); highest among the groups gnomAD compares: South Asian, 0.0033%; no homozygotes.

Submissions 1 to 10 of 19:

ClinGen Malignant Hyperthermia Susceptibility Variant Curation Expert Panel, ClinGen
Classification: Pathogenic for Malignant hyperthermia, susceptibility to, 1. Last evaluated: 2022-03-14. Review status: reviewed by expert panel. Criteria: RYR1-MHS Interpretation Guidelines V2. Collection method: curation. Allele origin: germline. Inheritance: Autosomal dominant inheritance. Study: ClinGen.
Comment: This pathogenicity assessment is relevant only for malignant hyperthermia susceptibility (MHS) inherited in an autosomal dominant pattern. Variants in RYR1 can also cause other myopathies inherited in an autosomal dominant pattern or in an autosomal recessive pattern. Some of these disorders may predispose individuals to malignant hyperthermia. RYR1 variants may also contribute to a malignant hyperthermia reaction in combination with other genetic and non-genetic factors and the clinician needs to consider such factors in making management decisions. This sequence variant predicts a substitution of Arginine with Cysteine at codon 2163 of the RYR1 protein, p.(Arg2163Cys). The maximum allele frequency for this variant among the six major gnomAD populations is SAS: 0.000033, a frequency consistent with pathogenicity for MHS. This variant has been reported in three unrelated individuals who have a personal or family history of a malignant hyperthermia reaction, three of these individuals had a positive in vitro contracture test (IVCT) or caffeine halothane contracture test (CHCT) result (if the proband was unavailable for testing, a positive diagnostic test result in a mutation-positive relative was counted), PS4_Moderate (PMID:10484775, PMID:30236257, PMID:9497245). This variant has been identified in an individual with a negative IVCT/CHCT result, BS2_Moderate. Functional studies in HEK293 cells show an increased sensitivity to RYR1 agonists, PS3_Moderate (PMID:9873004). Another variant has been assessed as pathogenic at this codon, p.(Arg2163His), PM5 (PMID:30236257 ). This variant resides in a region of RYR1 considered to be a hotspot for pathogenic variants that contribute to MHS, use PM1_Supporting to avoid overweighting with PM5 (PMID: 21118704). This variant segregates with MHS in over 15 individuals PP1_Strong, (PMID:9497245, PMID:30236257, PMID:10484775). A REVEL score >0.85 supports a pathogenic status for this variant, PP3_Moderate. Based on using Bayes to combine criteria this variant is assessed as Pathogenic, (PMID: 29300386). Criteria implemented: PS3_Moderate, PS4_Moderate, PM1_Supporting, PM5, PP1_Strong, PP3_Moderate, BS2_Moderate.

ClinPGx
Classification: drug response for desflurane response - Toxicity. Last evaluated: 2021-03-24. Review status: reviewed by expert panel. Criteria: Pharmacogenomics knowledge for personalized medicine. Collection method: curation. Allele origin: germline. Affected: yes.
Comment: PharmGKB Level of Evidence 1A: Level 1A clinical annotations describe variant-drug combinations that have variant-specific prescribing guidance available in a current clinical guideline annotation or an FDA-approved drug label annotation. Annotations of drug labels or clinical guidelines must give prescribing guidance for specific variants (e.g. CYP2C9*3, HLA-B*57:01) or provide mapping from defined allele functions to diplotypes and phenotypes to be used as supporting evidence for a level 1A clinical annotation. Level 1A clinical annotations must also be supported by at least one publication in addition to a clinical guideline or drug label with variant-specific prescribing guidance.

Drug is not necessarily used to treat response condition

ClinPGx
Classification: drug response for enflurane response - Toxicity. Last evaluated: 2021-03-24. Review status: reviewed by expert panel. Criteria: Pharmacogenomics knowledge for personalized medicine. Collection method: curation. Allele origin: germline. Affected: yes.
Comment: the same text as in the submission from ClinPGx above.

ClinPGx
Classification: drug response for halothane response - Toxicity. Last evaluated: 2021-03-24. Review status: reviewed by expert panel. Criteria: Pharmacogenomics knowledge for personalized medicine. Collection method: curation. Allele origin: germline. Affected: yes.
Comment: the same text as in the submission from ClinPGx above.

ClinPGx
Classification: drug response for isoflurane response - Toxicity. Last evaluated: 2021-03-24. Review status: reviewed by expert panel. Criteria: Pharmacogenomics knowledge for personalized medicine. Collection method: curation. Allele origin: germline. Affected: yes.
Comment: the same text as in the submission from ClinPGx above.

ClinPGx
Classification: drug response for methoxyflurane response - Toxicity. Last evaluated: 2021-03-24. Review status: reviewed by expert panel. Criteria: Pharmacogenomics knowledge for personalized medicine. Collection method: curation. Allele origin: germline. Affected: yes.
Comment: the same text as in the submission from ClinPGx above.

ClinPGx
Classification: drug response for sevoflurane response - Toxicity. Last evaluated: 2021-03-24. Review status: reviewed by expert panel. Criteria: Pharmacogenomics knowledge for personalized medicine. Collection method: curation. Allele origin: germline. Affected: yes.
Comment: the same text as in the submission from ClinPGx above.

ClinPGx
Classification: drug response for succinylcholine response - Toxicity. Last evaluated: 2021-03-24. Review status: reviewed by expert panel. Criteria: Pharmacogenomics knowledge for personalized medicine. Collection method: curation. Allele origin: germline. Affected: yes.
Comment: the same text as in the submission from ClinPGx above.

Labcorp Genetics (formerly Invitae), Labcorp
Classification: Pathogenic for RYR1-related disorder. Last evaluated: 2025-08-18. Review status: criteria provided, single submitter. Criteria: Invitae Variant Classification Sherloc (09022015). Collection method: clinical testing. Allele origin: germline. Not counted in ClinVar's aggregate classification.
Comment: This sequence change replaces arginine, which is basic and polar, with cysteine, which is neutral and slightly polar, at codon 2163 of the RYR1 protein (p.Arg2163Cys). This variant is present in population databases (rs118192175, gnomAD 0.003%). This missense change has been observed in individual(s) with malignant hyperthermia susceptibility (PMID: 9497245, 12124989, 30236257). It has also been observed to segregate with disease in related individuals. ClinVar contains an entry for this variant (Variation ID: 12973). Invitae Evidence Modeling of protein sequence and biophysical properties (such as structural, functional, and spatial information, amino acid conservation, physicochemical variation, residue mobility, and thermodynamic stability) indicates that this missense variant is expected to disrupt RYR1 protein function with a positive predictive value of 80%. Experimental studies have shown that this missense change affects RYR1 function (PMID: 9334205, 9873004, 12732639, 27586648). This variant disrupts the p.Arg2163 amino acid residue in RYR1. Other variant(s) that disrupt this residue have been determined to be pathogenic (PMID: 16084090). This suggests that this residue is clinically significant, and that variants that disrupt this residue are likely to be disease-causing. For these reasons, this variant has been classified as Pathogenic.

Ambry Genetics
Classification: Pathogenic for Inborn genetic diseases. Last evaluated: 2025-07-22. Review status: criteria provided, single submitter. Criteria: Ambry Variant Classification Scheme 2023. Collection method: clinical testing. Allele origin: germline. Not counted in ClinVar's aggregate classification.
Comment: The c.6487C>T (p.R2163C) alteration is located in exon 39 (coding exon 39) of the RYR1 gene. This alteration results from a C to T substitution at nucleotide position 6487, causing the arginine (R) at amino acid position 2163 to be replaced by a cysteine (C). Based on data from gnomAD, the T allele has an overall frequency of 0.001% (3/250464) total alleles studied. The highest observed frequency was 0.016% (1/6130) of Other alleles. This variant was detected as heterozygous in individual(s) with no reported features of malignant hyperthermia susceptibility (Hoppe, 2021; Miller, 2018). This variant was identified in one or more individuals with features consistent with malignant hyperthermia susceptibility and segregated with disease in at least one family (Manning, 1998; Miller, 2018). This amino acid position is highly conserved in available vertebrate species. In an assay testing RYR1 function, this variant showed a functionally abnormal result (Tong, 1997; Yang, 2003; Murayama, 2016). This alteration is predicted to be deleterious by in silico analysis. Based on the available evidence, this alteration is classified as pathogenic.